The following is an entry in ClinVar:

NM_001447.3(FAT2):c.5453G>C (p.Ser1818Thr)

Genes: FAT2 (FAT atypical cadherin 2; minus strand), SLC36A1 (solute carrier family 36 member 1; plus strand). Cytogenetic location: 5q33.1.
Variant type: single nucleotide variant.
Coding change: c.5453G>C on transcript NM_001447.3 (MANE Select); coding-DNA position 5453, G replaced by C.
Protein change: p.Ser1818Thr; replaces serine 1818 with threonine.
Molecular consequence: missense variant.
Genome position (GRCh38, 1-based): chr5:151,545,674, C>G on the plus strand (G>C on the coding strand, the complement: FAT2 is on the minus strand). VCF-style: chr5-151545674-C-G. GRCh37 (hg19) VCF-style: chr5-150925235-C-G.
Other names: short protein forms S1818T.
Identifiers: ClinVar variation 2198243 (VCV002198243.4), dbSNP rs772122787, ClinGen allele CA3521286.
Genomic context (GRCh38, chr5:151,545,674, plus strand): 5'-AATTGGAAAGAGGGCATGCTCTCATAATCCATCTCTGATACAATGGTTAGGGTTCCCATG[C>G]TGGGATCAATTTTGAAAAACTTCAAGGCCTCCGGCTCCAAAATTTTATAGACCAACAAGG-3'
Protein context (NP_001438.1, residues 1808-1828): EALKFFKIDP[Ser1818Thr]MGTLTIVSEM

ClinVar aggregate classification (germline): Uncertain significance (1 of 4 stars; one submission).

Allele frequency attached by ClinVar (database versions not stated): gnomAD exomes below 0.00001; gnomAD 0.00001; ExAC 0.00002.
gnomAD v4.1: 3 of 1,614,044 alleles (0.00019%); highest among the groups gnomAD compares: Non-Finnish European, 0.00025%; no homozygotes.

Submission:

Labcorp Genetics (formerly Invitae), Labcorp
Classification: Uncertain significance. Last evaluated: 2023-12-18. Review status: criteria provided, single submitter. Criteria: Invitae Variant Classification Sherloc (09022015). Collection method: clinical testing. Allele origin: germline.
Comment: This sequence change replaces serine, which is neutral and polar, with threonine, which is neutral and polar, at codon 1818 of the FAT2 protein (p.Ser1818Thr). This variant is present in population databases (rs772122787, gnomAD 0.0009%). This variant has not been reported in the literature in individuals affected with FAT2-related conditions. ClinVar contains an entry for this variant (Variation ID: 2198243). Advanced modeling of protein sequence and biophysical properties (such as structural, functional, and spatial information, amino acid conservation, physicochemical variation, residue mobility, and thermodynamic stability) performed at Invitae indicates that this missense variant is not expected to disrupt FAT2 protein function with a negative predictive value of 80%. In summary, the available evidence is currently insufficient to determine the role of this variant in disease. Therefore, it has been classified as a Variant of Uncertain Significance.